The following is an entry in ClinVar:

ClinVar aggregate classification (germline): Pathogenic/Likely pathogenic. Review status: criteria provided, multiple submitters, no conflicts (2 of 4 stars). 11 submissions from 11 submitters: Pathogenic (5); Likely pathogenic (5). 1 of the submissions does not count toward it. Last evaluated 2024-11-11.

Conditions:
PIGN-related disorder. Also called: PIGN-related condition.
Multiple congenital anomalies-hypotonia-seizures syndrome 1 (MCAHS1). Also called: GLYCOSYLPHOSPHATIDYLINOSITOL BIOSYNTHESIS DEFECT 3; PIGN-CDG; Congenital disorder of glycosylation due to PIGN deficiency. Identifiers: Orphanet 280633, MedGen C3279775, MONDO:0013563, OMIM 614080.

Allele frequency attached by ClinVar (database versions not stated): gnomAD 0.00001; gnomAD exomes 0.00001 and 0.00002; TOPMed 0.00002; ExAC 0.00004; ESP Exome Variant Server 0.00008.
gnomAD v4.1: 17 of 1,595,682 alleles (0.0011%); highest among the groups gnomAD compares: Non-Finnish European, 0.0014%; no homozygotes.

Submissions (11):

Labcorp Genetics (formerly Invitae), Labcorp
Classification: Pathogenic for Multiple congenital anomalies-hypotonia-seizures syndrome 1. Last evaluated: 2024-11-11. Review status: criteria provided, single submitter. Criteria: Invitae Variant Classification Sherloc (09022015). Collection method: clinical testing. Allele origin: germline.
Comment: This sequence change falls in intron 16 of the PIGN gene. It does not directly change the encoded amino acid sequence of the PIGN protein. It affects a nucleotide within the consensus splice site. This variant is present in population databases (rs369486176, gnomAD 0.004%). This variant has been observed in individual(s) with PIGN-related conditions (PMID: 26394714, 34051595, 35179230). In at least one individual the data is consistent with being in trans (on the opposite chromosome) from a pathogenic variant. It has also been observed to segregate with disease in related individuals. ClinVar contains an entry for this variant (Variation ID: 264636). Variants that disrupt the consensus splice site are a relatively common cause of aberrant splicing (PMID: 17576681, 9536098). Algorithms developed to predict the effect of sequence changes on RNA splicing suggest that this variant may disrupt the consensus splice site. For these reasons, this variant has been classified as Pathogenic.

Blueprint Genetics
Classification: Pathogenic for PIGN-related disorders. Last evaluated: 2024-08-21. Review status: criteria provided, single submitter. Criteria: ACMG Guidelines, 2015. Collection method: clinical testing. Allele origin: germline. Affected: yes. Observed: 4 variant alleles.

Baylor Genetics
Classification: Pathogenic for Multiple congenital anomalies-hypotonia-seizures syndrome 1. Last evaluated: 2024-03-15. Review status: criteria provided, single submitter. Criteria: ACMG Guidelines, 2015. Collection method: clinical testing. Allele origin: unknown.

GeneDx
Classification: Pathogenic. Last evaluated: 2023-12-26. Review status: criteria provided, single submitter. Criteria: GeneDx Variant Classification Process June 2021. Collection method: clinical testing. Allele origin: germline. Affected: yes.
Comment: Intronic +5 splice site variant in a gene for which loss of function is a known mechanism of disease, and both splice predictors and evolutionary conservation support a deleterious effect, although in the absence of functional evidence the actual effect of this sequence change is unknown.; Not observed at significant frequency in large population cohorts (gnomAD); This variant is associated with the following publications: (PMID: 27038415, 31589614, 35723786, 34051595, 36322149, 35179230, 37088336, 34070668, 26394714, 36384198)

Fulgent Genetics
Classification: Likely pathogenic for Multiple congenital anomalies-hypotonia-seizures syndrome 1. Last evaluated: 2023-12-23. Review status: criteria provided, single submitter. Criteria: ACMG Guidelines, 2015. Collection method: clinical testing. Allele origin: germline.

Department of Human Genetics, Hannover Medical School
Classification: Likely pathogenic for Multiple congenital anomalies-hypotonia-seizures syndrome 1. Last evaluated: 2023-07-18. Review status: criteria provided, single submitter. Criteria: ACMG Guidelines, 2015. Collection method: clinical testing. Allele origin: germline. Inheritance: Autosomal recessive inheritance. Affected: yes.

Institute of Medical Genetics and Applied Genomics, University Hospital Tübingen
Classification: Likely pathogenic. Last evaluated: 2020-10-23. Review status: criteria provided, single submitter. Criteria: ACMG Guidelines, 2015. Collection method: clinical testing. Allele origin: germline. Inheritance: Autosomal recessive inheritance. Affected: yes.

CeGaT Center for Human Genetics Tuebingen
Classification: Likely pathogenic. Last evaluated: 2019-10-01. Review status: criteria provided, single submitter. Criteria: CeGaT Center For Human Genetics Tuebingen Variant Classification Criteria Version 2. Collection method: clinical testing. Allele origin: germline. Affected: yes. Observed: 1 variant allele.

Institute for Genomic Statistics and Bioinformatics, University Hospital Bonn
Classification: Pathogenic for Multiple congenital anomalies-hypotonia-seizures syndrome 1. Review status: criteria provided, single submitter. Criteria: ACMG Guidelines, 2015. Collection method: clinical testing. Allele origin: germline. Inheritance: Autosomal recessive inheritance. Affected: yes. Observed: 1 variant allele, 1 compound heterozygote.

Neuberg Centre For Genomic Medicine, NCGM
Classification: Likely pathogenic for Multiple congenital anomalies-hypotonia-seizures syndrome 1. Review status: criteria provided, single submitter. Criteria: ACMG Guidelines, 2015. Collection method: clinical testing. Allele origin: germline. Inheritance: Autosomal recessive inheritance. Affected: yes.
Comment: The splice region variant c.1434+5G>A in PIGN (NM_176787.5) has been reported previously in affected indivduals (Fleming L et al). The variant as been submitted to ClinVar as Likely Pathogenic. The c.1434+5G>A variant is observed in 1/28,292 (0.0035%) alleles from individuals of South Asian background in gnomAD Exomes and is novel (not in any individuals) in 1000 Genomes. The nucleotide c.1434+5G>A in PIGN is predicted conserved by GERP++ and PhyloP across 100 vertebrates. For these reasons, this variant has been classified as Likely Pathogenic.

OMIM
Classification: Pathogenic for MULTIPLE CONGENITAL ANOMALIES-HYPOTONIA-SEIZURES SYNDROME 1. Last evaluated: 2016-09-28. Review status: no assertion criteria provided. Collection method: literature only. Allele origin: germline. Not counted in ClinVar's aggregate classification.

Literature cited by the submitters: PubMed 26394714 (cited by 3 submitters); PubMed 34051595 (cited by Labcorp Genetics (formerly Invitae), Labcorp); PubMed 35179230 (cited by Labcorp Genetics (formerly Invitae), Labcorp); PubMed 17576681 (cited by Labcorp Genetics (formerly Invitae), Labcorp); PubMed 9536098 (cited by Labcorp Genetics (formerly Invitae), Labcorp).

NM_176787.5(PIGN):c.1434+5G>A

Gene: PIGN (phosphatidylinositol glycan anchor biosynthesis class N; minus strand). Cytogenetic location: 18q21.33.
Variant type: single nucleotide variant.
Coding change: c.1434+5G>A on transcript NM_176787.5 (MANE Select); 5 bases into the intron after coding-DNA position 1434, G replaced by A.
Molecular consequence: intron variant.
Genome position (GRCh38, 1-based): chr18:62,113,129, C>T on the plus strand (G>A on the coding strand, the complement: PIGN is on the minus strand). VCF-style: chr18-62113129-C-T. GRCh37 (hg19) VCF-style: chr18-59780362-C-T.
Other names: IVS17DS, G-A, +5; c.1434+5G>A (NM_012327.6).
Identifiers: ClinVar variation 264636 (VCV000264636.59), dbSNP rs369486176, ClinGen allele CA8982300.